The following is an entry in ClinVar:

NM_002601.4(PDE6D):c.364G>A (p.Val122Ile)

Gene: PDE6D (phosphodiesterase 6D; minus strand). Cytogenetic location: 2q37.1.
Variant type: single nucleotide variant.
Coding change: c.364G>A on transcript NM_002601.4 (MANE Select); coding-DNA position 364, G replaced by A.
Protein change: p.Val122Ile; replaces valine 122 with isoleucine.
Molecular consequence: missense variant. On other transcripts: intron variant (1).
Genome position (GRCh38, 1-based): chr2:231,737,194, C>T on the plus strand (G>A on the coding strand, the complement: PDE6D is on the minus strand). VCF-style: chr2-231737194-C-T. GRCh37 (hg19) VCF-style: chr2-232601904-C-T.
Other names: c.265+819G>A (NM_001291018.2); short protein forms V122I.
Identifiers: ClinVar variation 1360750 (VCV001360750.5), dbSNP rs766118708, ClinGen allele CA2163193.

ClinVar aggregate classification (germline): Uncertain significance (1 of 4 stars; one submission).

Conditions:
Joubert syndrome 22 (JBTS22). Identifiers: Orphanet 2754, MedGen C3810278, MONDO:0014297, OMIM 615665.

Allele frequency attached by ClinVar (database versions not stated): ExAC 0.00003; gnomAD 0.00003 and 0.00004; TOPMed 0.00003; gnomAD exomes 0.00005.
gnomAD v4.1: 34 of 1,595,194 alleles (0.0021%); highest among the groups gnomAD compares: South Asian, 0.019%; no homozygotes.

Submission:

Labcorp Genetics (formerly Invitae), Labcorp
Classification: Uncertain significance for Joubert syndrome 22. Last evaluated: 2022-08-01. Review status: criteria provided, single submitter. Criteria: Invitae Variant Classification Sherloc (09022015). Collection method: clinical testing. Allele origin: germline.
Comment: This sequence change replaces valine, which is neutral and non-polar, with isoleucine, which is neutral and non-polar, at codon 122 of the PDE6D protein (p.Val122Ile). This variant is present in population databases (rs766118708, gnomAD 0.02%). This variant has not been reported in the literature in individuals affected with PDE6D-related conditions. ClinVar contains an entry for this variant (Variation ID: 1360750). Algorithms developed to predict the effect of missense changes on protein structure and function (SIFT, PolyPhen-2, Align-GVGD) all suggest that this variant is likely to be tolerated. In summary, the available evidence is currently insufficient to determine the role of this variant in disease. Therefore, it has been classified as a Variant of Uncertain Significance.